The following is an entry in ClinVar:

NM_021120.4(DLG3):c.377T>C (p.Met126Thr)

Gene: DLG3 (discs large MAGUK scaffold protein 3; plus strand). Cytogenetic location: Xq13.1.
Variant type: single nucleotide variant.
Coding change: c.377T>C on transcript NM_021120.4 (MANE Select); coding-DNA position 377, T replaced by C.
Protein change: p.Met126Thr; replaces methionine 126 with threonine.
Molecular consequence: missense variant.
Genome position (GRCh38, 1-based): chrX:70,448,932, T>C. VCF-style: chrX-70448932-T-C. GRCh37 (hg19) VCF-style: chrX-69668782-T-C.
Other names: short protein forms M126T.
Identifiers: ClinVar variation 588012 (VCV000588012.5), dbSNP rs990575779, ClinGen allele CA330991041.

ClinVar aggregate classification (germline): Uncertain significance (1 of 4 stars; one submission).

Conditions:
Inborn genetic diseases. Identifiers: MedGen C0950123, MeSH D030342.

Allele frequency attached by ClinVar (database versions not stated): gnomAD exomes 0.00001; TOPMed 0.00002; gnomAD 0.00005.

Submission:

Ambry Genetics
Classification: Uncertain significance for Inborn genetic diseases. Last evaluated: 2016-07-06. Review status: criteria provided, single submitter. Criteria: Ambry Variant Classification Scheme 2023. Collection method: clinical testing. Allele origin: germline.
Comment: The p.M126T variant (also known as c.377T>C), located in coding exon 2 of the DLG3 gene, results from a T to C substitution at nucleotide position 377. The methionine at codon 126 is replaced by threonine, an amino acid with similar properties. This variant was not reported in population based cohorts in the following databases: Database of Single Nucleotide Polymorphisms (dbSNP), NHLBI Exome Sequencing Project (ESP), and 1000 Genomes Project. In the ESP, this variant was not observed in 6503 samples with coverage at this position. This amino acid position is well conserved in available vertebrate species. In addition, this alteration is predicted to be tolerated by in silico analysis. Since supporting evidence is limited at this time, the clinical significance of this alteration remains unclear.